The following is an entry in ClinVar:

ClinVar aggregate classification (germline): Uncertain significance (1 of 4 stars; one submission).

Submission:

Labcorp Genetics (formerly Invitae), Labcorp
Classification: Uncertain significance. Last evaluated: 2025-07-20. Review status: criteria provided, single submitter. Criteria: Invitae Variant Classification Sherloc (09022015). Collection method: clinical testing. Allele origin: germline.
Comment: This sequence change falls in intron 5 of the FNIP1 gene. It does not directly change the encoded amino acid sequence of the FNIP1 protein. It affects a nucleotide within the consensus splice site. This variant is not present in population databases (gnomAD no frequency). This variant has not been reported in the literature in individuals affected with FNIP1-related conditions. Variants that disrupt the consensus splice site are a relatively common cause of aberrant splicing (PMID: 17576681, 9536098). Algorithms developed to predict the effect of sequence changes on RNA splicing suggest that this variant may disrupt the consensus splice site. In summary, the available evidence is currently insufficient to determine the role of this variant in disease. Therefore, it has been classified as a Variant of Uncertain Significance.

Literature cited by the submitters: PubMed 17576681; PubMed 9536098.

NM_133372.3(FNIP1):c.530+4del

Gene: FNIP1 (folliculin interacting protein 1; minus strand). Cytogenetic location: 5q31.1.
Variant type: Deletion.
Coding change: c.530+4del on transcript NM_133372.3 (MANE Select); 4 bases into the intron after coding-DNA position 530, one base deleted (A; older notation c.530+4delA).
Molecular consequence: intron variant.
Genome position (GRCh38, 1-based): chr5:131,718,982, T deleted on the plus strand (A on the coding strand, the reverse complement: FNIP1 is on the minus strand); the first of 2 consecutive T bases (chr5:131,718,982-131,718,983); deleting either gives the same sequence. VCF-style (leftmost placement, unchanged base first): chr5-131718981-CT-C. GRCh37 (hg19) VCF-style: chr5-131054674-CT-C.
Other names: c.395+4del (NM_001346114.2); c.530+4del (NM_001008738.3, NM_001346113.2).
Identifiers: ClinVar variation 4723227 (VCV004723227.1).